The following is an entry in ClinVar:

NM_080680.3(COL11A2):c.2791-2A>G

Gene: COL11A2 (collagen type XI alpha 2 chain; minus strand). Cytogenetic location: 6p21.32.
Variant type: single nucleotide variant.
Coding change: c.2791-2A>G on transcript NM_080680.3 (MANE Select); the canonical splice acceptor site of the intron before coding-DNA position 2791, A replaced by G.
Molecular consequence: splice acceptor variant.
Genome position (GRCh38, 1-based): chr6:33,172,639, T>C on the plus strand (A>G on the coding strand, the complement: COL11A2 is on the minus strand). VCF-style: chr6-33172639-T-C. GRCh37 (hg19) VCF-style: chr6-33140416-T-C.
Other names: c.1765-2A>G (NM_001424111.1, NM_001424110.1); c.2470-2A>G (NM_080679.3); c.2533-2A>G (NM_080681.3); c.2611-2A>G (NM_001424108.1); c.1945-2A>G (NM_001424109.1); c.745-2A>G (NM_001424112.1).
Identifiers: ClinVar variation 2794098 (VCV002794098.3), dbSNP rs2534898361, ClinGen allele CA363638361.
Genomic context (GRCh38, chr6:33,172,639, plus strand): 5'-GGCCCCGGGGGGCCTGGGTGACCTCTCTCCCCCATAGGGCCGGTTTCTCCTGCTGCTCCC[T>C]AGACAAAAGCAGAGAGAGTTCCTGCTCTCAGGCCCTTCATCTCGCTGTCTGCCAGAAGAG-3'

ClinVar aggregate classification (germline): Likely pathogenic (1 of 4 stars; one submission).

Submission:

Labcorp Genetics (formerly Invitae), Labcorp
Classification: Likely pathogenic. Last evaluated: 2024-11-12. Review status: criteria provided, single submitter. Criteria: Invitae Variant Classification Sherloc (09022015). Collection method: clinical testing. Allele origin: germline.
Comment: This sequence change affects an acceptor splice site in intron 38 of the COL11A2 gene. It is expected to disrupt RNA splicing. Variants that disrupt the donor or acceptor splice site typically lead to a loss of protein function (PMID: 16199547), and loss-of-function variants in COL11A2 are known to be pathogenic (PMID: 10677296, 21204229). This variant is not present in population databases (gnomAD no frequency). This variant has not been reported in the literature in individuals affected with COL11A2-related conditions. ClinVar contains an entry for this variant (Variation ID: 2794098). Algorithms developed to predict the effect of sequence changes on RNA splicing suggest that this variant may disrupt the consensus splice site. In summary, the currently available evidence indicates that the variant is pathogenic, but additional data are needed to prove that conclusively. Therefore, this variant has been classified as Likely Pathogenic.

Literature cited by the submitters: PubMed 16199547; PubMed 10677296; PubMed 21204229.